The following is an entry in ClinVar:

ClinVar aggregate classification (germline): Uncertain significance (1 of 4 stars; one submission).

Conditions:
Hereditary sensory and autonomic neuropathy type 6. Also called: HSAN VI; Neuropathy, hereditary sensory and autonomic, type VI. Identifiers: Orphanet 314381, MedGen C3539003, MONDO:0013839, OMIM 614653.
Epidermolysis bullosa simplex 3, localized or generalized intermediate, with BP230 deficiency (EBS3). Also called: Epidermolysis bullosa simplex, autosomal recessive 2; Epidermolysis bullosa simplex due to BP230 deficiency. Identifiers: Orphanet 412181, MedGen C3809470, MONDO:0014180, OMIM 615425.

Allele frequency attached by ClinVar (database versions not stated): ExAC 0.00001; gnomAD 0.00001; TOPMed 0.00001.
gnomAD v4.1: 6 of 1,613,758 alleles (0.00037%); highest among the groups gnomAD compares: East Asian, 0.0089%; no homozygotes.

Submission:

Labcorp Genetics (formerly Invitae), Labcorp
Classification: Uncertain significance for Epidermolysis bullosa simplex 3, localized or generalized intermediate, with BP230 deficiency; Hereditary sensory and autonomic neuropathy type 6. Last evaluated: 2023-05-30. Review status: criteria provided, single submitter. Criteria: Invitae Variant Classification Sherloc (09022015). Collection method: clinical testing. Allele origin: germline.
Comment: Experimental studies and prediction algorithms are not available or were not evaluated, and the effect of this variant on mRNA splicing is currently unknown. In summary, the available evidence is currently insufficient to determine the role of this variant in disease. Therefore, it has been classified as a Variant of Uncertain Significance. The DST gene has multiple clinically relevant transcripts. This variant occurs in alternate transcript NM_015548.4, and corresponds to NM_001723.5:c.*62484G>A in the primary transcript. This variant has not been reported in the literature in individuals affected with DST-related conditions. This variant is present in population databases (rs751488625, gnomAD 0.02%). This sequence change affects codon 2630 of the DST mRNA. It is a 'silent' change, meaning that it does not change the encoded amino acid sequence of the DST protein.

NM_001374736.1(DST):c.15759G>A (p.Lys5253=)

Gene: DST (dystonin; minus strand). Cytogenetic location: 6p12.1.
Variant type: single nucleotide variant.
Coding change: c.15759G>A on transcript NM_001374736.1 (MANE Select); coding-DNA position 15759, G replaced by A.
Protein change: p.Lys5253=; no amino-acid change (lysine 5253 retained).
Molecular consequence: synonymous variant.
Genome position (GRCh38, 1-based): chr6:56,553,033, C>T on the plus strand (G>A on the coding strand, the complement: DST is on the minus strand). VCF-style: chr6-56553033-C-T. GRCh37 (hg19) VCF-style: chr6-56417831-C-T.
Other names: c.9402G>A, p.Lys3134= (NM_001144769.5); c.8988G>A, p.Lys2996= (NM_001144770.2); c.15759G>A, p.Lys5253= (NM_001374722.1); c.15126G>A, p.Lys5042= (NM_001374729.1); c.8868G>A, p.Lys2956= (NM_001374730.1, NM_001386100.1, NM_183380.4); c.15786G>A, p.Lys5262= (NM_001374734.1); c.7890G>A, p.Lys2630= (NM_015548.5).
Identifiers: ClinVar variation 2937139 (VCV002937139.3), dbSNP rs751488625, ClinGen allele CA3867776.